The following is an entry in ClinVar:

ClinVar aggregate classification (germline): Benign (1 of 4 stars; one submission).

Conditions:
Tuberous sclerosis 2 (TSC2). Identifiers: Orphanet 805, MedGen C1860707, MONDO:0013199, OMIM 613254.

Submission:

Myriad Genetics, Inc.
Classification: Benign for Tuberous sclerosis 2. Last evaluated: 2025-06-03. Review status: criteria provided, single submitter. Criteria: Myriad Autosomal Dominant, Autosomal Recessive and X-Linked Classification Criteria (2023). Collection method: clinical testing. Allele origin: unknown.
Comment: This variant is considered benign. This variant is a silent/synonymous amino acid change and it is not expected to impact splicing.

NM_000548.5(TSC2):c.4437C>G (p.Ala1479=)

Gene: TSC2 (TSC complex subunit 2; plus strand). Cytogenetic location: 16p13.3.
Variant type: single nucleotide variant.
Coding change: c.4437C>G on transcript NM_000548.5 (MANE Select); coding-DNA position 4437, C replaced by G.
Protein change: p.Ala1479=; no amino-acid change (alanine 1479 retained).
Molecular consequence: synonymous variant. On other transcripts: non-coding transcript variant (5).
Genome position (GRCh38, 1-based): chr16:2,084,659, C>G. VCF-style: chr16-2084659-C-G. GRCh37 (hg19) VCF-style: chr16-2134660-C-G.
Other names: c.4236C>G, p.Ala1412= (NM_001077183.3); c.4368C>G, p.Ala1456= (NM_001114382.3); c.4128C>G, p.Ala1376= (NM_001318827.2); c.4092C>G, p.Ala1364= (NM_001318829.2); c.3705C>G, p.Ala1235= (NM_001318831.2); c.4269C>G, p.Ala1423= (NM_001318832.2); c.4239C>G, p.Ala1413= (NM_001363528.2); c.4305C>G, p.Ala1435= (NM_001370404.1); and 26 more.
Identifiers: ClinVar variation 4071239 (VCV004071239.1).